The following is an entry in ClinVar:

ClinVar aggregate classification (germline): Conflicting classifications of pathogenicity. Review status: criteria provided, conflicting classifications (1 of 4 stars). 9 submissions from 9 submitters: Pathogenic (3); Likely pathogenic (4); Uncertain significance (2). Last evaluated 2025-12-22.

Conditions:
TUBGCP6-related disorder. Also called: TUBGCP6-related condition.
Microcephaly and chorioretinopathy 1. Also called: Microcephaly and chorioretinopathy, autosomal recessive, 1. Identifiers: MedGen C3278481, MONDO:0009624, OMIM 251270.

Allele frequency attached by ClinVar (database versions not stated): gnomAD 0.00003; ESP Exome Variant Server 0.00015; TOPMed 0.00015.
gnomAD v4.1: 106 of 1,614,030 alleles (0.0066%); highest among the groups gnomAD compares: African/African-American, 0.021%; no homozygotes.

Submissions (9):

Labcorp Genetics (formerly Invitae), Labcorp
Classification: Pathogenic. Last evaluated: 2025-12-22. Review status: criteria provided, single submitter. Criteria: Invitae Variant Classification Sherloc (09022015). Collection method: clinical testing. Allele origin: germline.
Comment: This sequence change falls in intron 11 of the TUBGCP6 gene. It does not directly change the encoded amino acid sequence of the TUBGCP6 protein. This variant is present in population databases (rs368765755, gnomAD 0.01%). This variant has been observed in individual(s) with clinical features of microcephaly and chorioretinopathy (PMID: 31077665, 36307859, 37031378). In at least one individual the data is consistent with being in trans (on the opposite chromosome) from a pathogenic variant. It has also been observed to segregate with disease in related individuals. ClinVar contains an entry for this variant (Variation ID: 437169). Algorithms developed to predict the effect of sequence changes on RNA splicing suggest that this variant may disrupt the consensus splice site. For these reasons, this variant has been classified as Pathogenic.

Dasa
Classification: Likely pathogenic. Last evaluated: 2025-08-27. Review status: criteria provided, single submitter. Criteria: DASA Assertion Criteria. Collection method: clinical testing. Allele origin: germline.
Comment: NM_020461.4(TUBGCP6):c.2066-6A>G is a splice-region variant predicted to affect normal RNA splicing. Segregation evidence has been reported in affected families. This variant has been observed in affected individuals with related phenotype in a genotype context consistent with recessive disease (PMID: 31077665; PMID: 37031378; PMID: 33458610; PMID: 37229200). Functional evidence supports a deleterious effect on the gene or gene product (PMID: 31077665; PMID: 37031378; PMID: 33458610; PMID: 37229200). This variant has been recurrently observed in individuals with related phenotype (PMID: 31077665; PMID: 37031378; PMID: 33458610; PMID: 37229200). Multiple computational predictions support a deleterious effect on the gene or gene product. The variant is present at low frequency in population datasets. Based on the available data, this variant is classified as likely pathogenic.

OLLIN Analises Genomicas, OLLIN
Classification: Likely pathogenic for Microcephaly and chorioretinopathy 1. Last evaluated: 2025-06-23. Review status: criteria provided, single submitter. Criteria: ACMG Guidelines 2015 PMID 25741868. Collection method: clinical testing. Allele origin: germline. Affected: yes. Observed: 1 variant allele.
Comment: The variant located at the non-canonical splicing site (chr22:50224426T>C), situated in intron 11 (of 25 exons) and absent in ClinVar, is reported in gnomAD v4.1 non-UKB with an allele frequency of 0.0068%, and in the scientific literature, also in compound heterozygosity and segregating with the phenotype, in individuals with microcephaly (PMID: 31077665, 37031378, 31077665, 31077665, 37031378). Functional studies suggest that this variant affects protein function (PMID: 31077665). According to currently available evidence, this variant has been classified as likely pathogenic (PS3_P, PM2_P, PM3, PP1, PP3).

GeneDx
Classification: Pathogenic. Last evaluated: 2025-03-16. Review status: criteria provided, single submitter. Criteria: GeneDx Variant Classification Process June 2021. Collection method: clinical testing. Allele origin: germline. Affected: yes.
Comment: Observed with a second TUBGCP6 variant, phase unknown, in two siblings with familial exudative vitreoretinopathy and microcephaly in published literature (PMID: 31077665); Published functional studies demonstrate a damaging effect secondary to a truncated protein (PMID: 31077665); Not observed at significant frequency in large population cohorts (gnomAD); Located in a region that tolerates variation and lacks pathogenic variants; This variant is associated with the following publications: (PMID: 36307859, 37229200, 33458610, 37031378, 31077665)

Blueprint Genetics
Classification: Likely pathogenic for TUBGCP6-related disorders. Last evaluated: 2023-08-25. Review status: criteria provided, single submitter. Criteria: ACMG Guidelines, 2015. Collection method: clinical testing. Allele origin: germline. Affected: yes. Observed: 5 variant alleles.

Illumina Laboratory Services, Illumina
Classification: Likely pathogenic for Microcephaly and chorioretinopathy 1. Last evaluated: 2023-06-07. Review status: criteria provided, single submitter. Criteria: ICSLVariantClassificationCriteria RUGD 01 April 2020. Collection method: clinical testing. Allele origin: unknown.
Comment: The TUBGCP c.2066-6A>G variant occurs in a splice region. This variant has been reported in individuals with clinical features consistent with microcephaly and chorioretinopathy, including in one individual in whom it was confirmed in trans with a likely pathogenic variant in the gene. The c.2066-6A>G variant was shown to segregate with disease in one family in two siblings (PMID: 31077665; 37031378). The highest frequency of this variant in the Genome Aggregation Database is 0.000241 in the African/African American population (version 3.1.2). Functional studies demonstrated that the c.2066-6A>G variant results in the insertion of five intronic nucleotides, which is predicted to lead to a frameshift in the protein reading frame and premature termination of the protein (PMID: 31077665). The c.2066-6A>G variant was identified in trans with a likely pathogenic variant. Based on the available evidence, the c.2066-6A>G variant is classified as likely pathogenic for microcephaly and chorioretinopathy.

CeGaT Center for Human Genetics Tuebingen
Classification: Pathogenic. Last evaluated: 2019-10-01. Review status: criteria provided, single submitter. Criteria: CeGaT Center For Human Genetics Tuebingen Variant Classification Criteria Version 2. Collection method: clinical testing. Allele origin: germline. Affected: yes. Observed: 1 variant allele.

Fulgent Genetics
Classification: Uncertain significance for Microcephaly and chorioretinopathy 1. Last evaluated: 2018-10-31. Review status: criteria provided, single submitter. Criteria: ACMG Guidelines, 2015. Collection method: clinical testing. Allele origin: unknown.

Genetic Services Laboratory, University of Chicago
Classification: Uncertain significance. Last evaluated: 2016-11-23. Review status: criteria provided, single submitter. Criteria: ACMG Guidelines, 2015. Collection method: clinical testing. Allele origin: germline. Affected: no.

Literature cited by the submitters: PubMed 31077665 (cited by 3 submitters); PubMed 36307859 (cited by Labcorp Genetics (formerly Invitae), Labcorp); PubMed 37031378 (cited by 3 submitters); PubMed 33458610 (cited by Dasa); PubMed 37229200 (cited by Dasa).

NM_020461.4(TUBGCP6):c.2066-6A>G

Gene: TUBGCP6 (tubulin gamma complex component 6; minus strand). Cytogenetic location: 22q13.33.
Variant type: single nucleotide variant.
Coding change: c.2066-6A>G on transcript NM_020461.4 (MANE Select); 6 bases into the intron before coding-DNA position 2066, A replaced by G.
Molecular consequence: intron variant.
Genome position (GRCh38, 1-based): chr22:50,224,426, T>C on the plus strand (A>G on the coding strand, the complement: TUBGCP6 is on the minus strand). VCF-style: chr22-50224426-T-C. GRCh37 (hg19) VCF-style: chr22-50662855-T-C.
Identifiers: ClinVar variation 437169 (VCV000437169.65), dbSNP rs368765755, ClinGen allele CA10308357.